The following is an entry in ClinVar:

NM_003664.5(AP3B1):c.1325G>A (p.Cys442Tyr)

Gene: AP3B1 (adaptor related protein complex 3 subunit beta 1; minus strand). Cytogenetic location: 5q14.1.
Variant type: single nucleotide variant.
Coding change: c.1325G>A on transcript NM_003664.5 (MANE Select); coding-DNA position 1325, G replaced by A.
Protein change: p.Cys442Tyr; replaces cysteine 442 with tyrosine.
Molecular consequence: missense variant.
Genome position (GRCh38, 1-based): chr5:78,162,857, C>T on the plus strand (G>A on the coding strand, the complement: AP3B1 is on the minus strand). VCF-style: chr5-78162857-C-T. GRCh37 (hg19) VCF-style: chr5-77458681-C-T.
Other names: c.1325G>A (NM_003664.3); c.1178G>A, p.Cys393Tyr (NM_001271769.2); short protein forms C442Y, C393Y.
Identifiers: ClinVar variation 646666 (VCV000646666.8), dbSNP rs1032054339, ClinGen allele CA121110223.

ClinVar aggregate classification (germline): Uncertain significance. Review status: criteria provided, multiple submitters, no conflicts (2 of 4 stars). 2 submissions from 2 submitters: Uncertain significance (2). Last evaluated 2025-11-10.

Conditions:
Hermansky-Pudlak syndrome 2 (HPS2). Also called: Platelet defects and oculocutaneous albinism. Identifiers: Orphanet 183678, Orphanet 79430, MedGen C1842362, MONDO:0011997, OMIM 608233.
Inborn genetic diseases. Identifiers: MedGen C0950123, MeSH D030342.

Allele frequency attached by ClinVar (database versions not stated): TOPMed 0.00002; gnomAD 0.00003 and 0.00004.
gnomAD v4.1: 83 of 1,613,882 alleles (0.0051%); highest among the groups gnomAD compares: Non-Finnish European, 0.0069%; no homozygotes.

Submissions (2):

Labcorp Genetics (formerly Invitae), Labcorp
Classification: Uncertain significance for Hermansky-Pudlak syndrome 2. Last evaluated: 2025-11-10. Review status: criteria provided, single submitter. Criteria: Invitae Variant Classification Sherloc (09022015). Collection method: clinical testing. Allele origin: germline.
Comment: This sequence change replaces cysteine, which is neutral and slightly polar, with tyrosine, which is neutral and polar, at codon 442 of the AP3B1 protein (p.Cys442Tyr). This variant is present in population databases (no rsID available, gnomAD 0.002%). This variant has not been reported in the literature in individuals affected with AP3B1-related conditions. ClinVar contains an entry for this variant (Variation ID: 646666). An algorithm developed to predict the effect of missense changes on protein structure and function (PolyPhen-2) suggests that this variant is likely to be disruptive. In summary, the available evidence is currently insufficient to determine the role of this variant in disease. Therefore, it has been classified as a Variant of Uncertain Significance.

Ambry Genetics
Classification: Uncertain significance for Inborn genetic diseases. Last evaluated: 2022-11-08. Review status: criteria provided, single submitter. Criteria: Ambry Variant Classification Scheme 2023. Collection method: clinical testing. Allele origin: germline.